The following is an entry in ClinVar:

NM_032482.3(DOT1L):c.3284G>A (p.Gly1095Glu)

Gene: DOT1L (DOT1 like histone lysine methyltransferase; plus strand). Cytogenetic location: 19p13.3.
Variant type: single nucleotide variant.
Coding change: c.3284G>A on transcript NM_032482.3 (MANE Select); coding-DNA position 3284, G replaced by A.
Protein change: p.Gly1095Glu; replaces glycine 1095 with glutamic acid.
Molecular consequence: missense variant.
Genome position (GRCh38, 1-based): chr19:2,222,453, G>A. VCF-style: chr19-2222453-G-A. GRCh37 (hg19) VCF-style: chr19-2222452-G-A.
Other names: c.3284G>A, p.Gly1095Glu (NM_001411141.1); short protein forms G1095E.
Identifiers: ClinVar variation 3600853 (VCV003600853.1).

ClinVar aggregate classification (germline): Uncertain significance (1 of 4 stars; one submission).

Submission:

GeneDx
Classification: Uncertain significance. Last evaluated: 2024-07-23. Review status: criteria provided, single submitter. Criteria: GeneDx Variant Classification Process June 2021. Collection method: clinical testing. Allele origin: germline. Affected: yes.
Comment: Not observed at significant frequency in large population cohorts (gnomAD); In silico analysis supports that this missense variant has a deleterious effect on protein structure/function; Has not been previously published as pathogenic or benign to our knowledge